The following is an entry in ClinVar:

ClinVar aggregate classification (germline): Likely pathogenic (1 of 4 stars; one submission).

Allele frequency attached by ClinVar (database versions not stated): gnomAD exomes below 0.00001.

Submission:

GeneDx
Classification: Likely pathogenic. Last evaluated: 2013-01-09. Review status: criteria provided, single submitter. Criteria: GeneDx Variant Classification (06012015). Collection method: clinical testing. Allele origin: germline. Affected: yes.
Comment: p.Val278Met (GTG>ATG): c.832 G>A in exon 4 of the SLC25A4 gene (NM_001151.3) A V278M missense variant that is likely pathogenic was identified in the SLC25A4 gene. It has not been published as a mutation, nor has it been reported as a benign polymorphism to our knowledge. V278M is a conservative amino acid substitution as both Valine and Methionine are uncharged, non-polar amino acids; however, this substitution occurs at a position that is highly conserved in mammals. Multiple in silico prediction algorithms predict that V278M is damaging to the SLC25A4 protein. Therefore, V278M is a strong candidate for a disease-causing mutation, however the possibility that it is a benign variant cannot be excluded. The variant is found in MITONUC-MITOP panel(s).

NM_001151.4(SLC25A4):c.832G>A (p.Val278Met)

Gene: SLC25A4 (solute carrier family 25 member 4; plus strand). Cytogenetic location: 4q35.1.
Variant type: single nucleotide variant.
Coding change: c.832G>A on transcript NM_001151.4 (MANE Select); coding-DNA position 832, G replaced by A.
Protein change: p.Val278Met; replaces valine 278 with methionine.
Molecular consequence: missense variant.
Genome position (GRCh38, 1-based): chr4:185,146,906, G>A. VCF-style: chr4-185146906-G-A. GRCh37 (hg19) VCF-style: chr4-186068060-G-A.
Other names: p.V278M:GTG>ATG; short protein forms V278M.
Identifiers: ClinVar variation 215172 (VCV000215172.2), dbSNP rs863224208, ClinGen allele CA322970.
Genomic context (GRCh38, chr4:185,146,906, plus strand): 5'-TGGAGGAAGATTGCAAAAGACGAAGGAGCCAAGGCCTTCTTCAAAGGTGCCTGGTCCAAT[G>A]TGCTGAGAGGCATGGGCGGTGCTTTTGTATTGGTGTTGTATGATGAGATCAAAAAATATG-3'
Protein context (NP_001142.2, residues 268-288): KAFFKGAWSN[Val278Met]LRGMGGAFVL